The following is an entry in ClinVar:

ClinVar aggregate classification (germline): Uncertain significance (1 of 4 stars; one submission).

Conditions:
Spastic paraplegia. Identifiers: MedGen C0037772, HP:0001258.

Allele frequency attached by ClinVar (database versions not stated): gnomAD 0.00001; gnomAD exomes 0.00001; TOPMed 0.00001.
gnomAD v4.1: 17 of 1,613,952 alleles (0.0011%); highest among the groups gnomAD compares: Non-Finnish European, 0.0014%; no homozygotes.

Submission:

Labcorp Genetics (formerly Invitae), Labcorp
Classification: Uncertain significance for Spastic paraplegia. Last evaluated: 2025-01-13. Review status: criteria provided, single submitter. Criteria: Invitae Variant Classification Sherloc (09022015). Collection method: clinical testing. Allele origin: germline.
Comment: This sequence change replaces lysine, which is basic and polar, with arginine, which is basic and polar, at codon 310 of the HSPD1 protein (p.Lys310Arg). This variant is present in population databases (no rsID available, gnomAD 0.0009%). This variant has not been reported in the literature in individuals affected with HSPD1-related conditions. ClinVar contains an entry for this variant (Variation ID: 2974425). Invitae Evidence Modeling of protein sequence and biophysical properties (such as structural, functional, and spatial information, amino acid conservation, physicochemical variation, residue mobility, and thermodynamic stability) indicates that this missense variant is not expected to disrupt HSPD1 protein function with a negative predictive value of 80%. In summary, the available evidence is currently insufficient to determine the role of this variant in disease. Therefore, it has been classified as a Variant of Uncertain Significance.

NM_002156.5(HSPD1):c.929A>G (p.Lys310Arg)

Gene: HSPD1 (heat shock protein family D (Hsp60) member 1; minus strand). Cytogenetic location: 2q33.1.
Variant type: single nucleotide variant.
Coding change: c.929A>G on transcript NM_002156.5 (MANE Select); coding-DNA position 929, A replaced by G.
Protein change: p.Lys310Arg; replaces lysine 310 with arginine.
Molecular consequence: missense variant.
Genome position (GRCh38, 1-based): chr2:197,490,237, T>C on the plus strand (A>G on the coding strand, the complement: HSPD1 is on the minus strand). VCF-style: chr2-197490237-T-C. GRCh37 (hg19) VCF-style: chr2-198354961-T-C.
Other names: c.929A>G, p.Lys310Arg (NM_199440.2); short protein forms K310R.
Identifiers: ClinVar variation 2974425 (VCV002974425.3), dbSNP rs886387123, ClinGen allele CA62853828.